The following is an entry in ClinVar:

NM_182914.3(SYNE2):c.16754G>A (p.Arg5585His)

Gene: SYNE2 (spectrin repeat containing nuclear envelope protein 2; plus strand). Cytogenetic location: 14q23.2.
Variant type: single nucleotide variant.
Coding change: c.16754G>A on transcript NM_182914.3 (MANE Select); coding-DNA position 16754, G replaced by A.
Protein change: p.Arg5585His; replaces arginine 5585 with histidine.
Molecular consequence: missense variant.
Genome position (GRCh38, 1-based): chr14:64,167,381, G>A. VCF-style: chr14-64167381-G-A. GRCh37 (hg19) VCF-style: chr14-64634099-G-A.
Other names: c.16754G>A, p.Arg5585His (NM_015180.6); short protein forms R5585H.
Identifiers: ClinVar variation 571972 (VCV000571972.15), dbSNP rs141144237, ClinGen allele CA7223478.

ClinVar aggregate classification (germline): Conflicting classifications of pathogenicity. Review status: criteria provided, conflicting classifications (1 of 4 stars). 3 submissions from 3 submitters: Uncertain significance (1); Likely benign (2). Last evaluated 2025-10-21.

Conditions:
Emery-Dreifuss muscular dystrophy 5, autosomal dominant (EDMD5). Also called: EMERY-DREIFUSS MUSCULAR DYSTROPHY 5. Identifiers: Orphanet 261, MedGen C2751805, MONDO:0013072, OMIM 612999.

Allele frequency attached by ClinVar (database versions not stated): gnomAD 0.00005; ExAC 0.00006; TOPMed 0.00006; ESP Exome Variant Server 0.00008; gnomAD exomes 0.00009.
gnomAD v4.1: 95 of 1,614,094 alleles (0.0059%); highest among the groups gnomAD compares: South Asian, 0.0033%; no homozygotes.

Submissions (3):

Labcorp Genetics (formerly Invitae), Labcorp
Classification: Likely benign for Emery-Dreifuss muscular dystrophy 5, autosomal dominant. Last evaluated: 2025-10-21. Review status: criteria provided, single submitter. Criteria: Invitae Variant Classification Sherloc (09022015). Collection method: clinical testing. Allele origin: germline.

Ambry Genetics
Classification: Uncertain significance. Last evaluated: 2024-11-10. Review status: criteria provided, single submitter. Criteria: Ambry Variant Classification Scheme 2023. Collection method: clinical testing. Allele origin: germline.

Illumina Laboratory Services, Illumina
Classification: Likely benign for Emery-Dreifuss muscular dystrophy 5, autosomal dominant. Last evaluated: 2018-01-13. Review status: criteria provided, single submitter. Criteria: ICSL Variant Classification Criteria 13 December 2019. Collection method: clinical testing. Allele origin: germline.
Comment: This variant was observed in the ICSL laboratory as part of a predisposition screen in an ostensibly healthy population. It had not been previously curated by ICSL or reported in the Human Gene Mutation Database (HGMD: prior to June 1st, 2018), and was therefore a candidate for classification through an automated scoring system. Utilizing variant allele frequency, disease prevalence and penetrance estimates, and inheritance mode, an automated score was calculated to assess if this variant is too frequent to cause the disease. Based on the score and internal cut-off values, a variant classified as likely benign is not then subjected to further curation. The score for this variant resulted in a classification of likely benign for this disease.